The following is an entry in ClinVar:

ClinVar aggregate classification (germline): Likely benign. Review status: criteria provided, multiple submitters, no conflicts (2 of 4 stars). 2 submissions from 2 submitters: Likely benign (2). Last evaluated 2022-04-01.

Allele frequency attached by ClinVar (database versions not stated): ExAC 0.00092; TOPMed 0.00097; gnomAD exomes 0.00099 and 0.00137; gnomAD 0.00109 and 0.00118; 1000 Genomes Project 0.00020; 1000 Genomes Project 30x 0.00031; ESP Exome Variant Server 0.00085.
gnomAD v4.1: 2,153 of 1,614,014 alleles (0.13%); highest among the groups gnomAD compares: Non-Finnish European, 0.16%; 2 homozygotes.

Submissions (2):

CeGaT Center for Human Genetics Tuebingen
Classification: Likely benign. Last evaluated: 2022-04-01. Review status: criteria provided, single submitter. Criteria: CeGaT Center For Human Genetics Tuebingen Variant Classification Criteria Version 2. Collection method: clinical testing. Allele origin: germline. Affected: yes. Observed: 1 variant allele.
Comment: ZNF804A: BP4

Labcorp Genetics (formerly Invitae), Labcorp
Classification: Likely benign. Last evaluated: 2019-12-31. Review status: criteria provided, single submitter. Criteria: Invitae Variant Classification Sherloc (09022015). Collection method: clinical testing. Allele origin: germline.

NM_194250.2(ZNF804A):c.1561A>T (p.Ser521Cys)

Gene: ZNF804A (zinc finger protein 804A; plus strand). Cytogenetic location: 2q32.1.
Variant type: single nucleotide variant.
Coding change: c.1561A>T on transcript NM_194250.2 (MANE Select); coding-DNA position 1561, A replaced by T.
Protein change: p.Ser521Cys; replaces serine 521 with cysteine.
Molecular consequence: missense variant.
Genome position (GRCh38, 1-based): chr2:184,936,957, A>T. VCF-style: chr2-184936957-A-T. GRCh37 (hg19) VCF-style: chr2-185801684-A-T.
Other names: short protein forms S521C.
Identifiers: ClinVar variation 781606 (VCV000781606.28), dbSNP rs146785509, ClinGen allele CA2015985.